The following is an entry in ClinVar:

NM_080425.4(GNAS):c.1064A>G (p.Glu355Gly)

Gene: GNAS (GNAS complex locus; plus strand). Cytogenetic location: 20q13.32.
Variant type: single nucleotide variant.
Coding change: c.1064A>G on transcript NM_080425.4 (MANE Plus Clinical); coding-DNA position 1064, A replaced by G.
Protein change: p.Glu355Gly; replaces glutamic acid 355 with glycine.
Molecular consequence: missense variant. On other transcripts: intron variant (3).
Genome position (GRCh38, 1-based): chr20:58,854,329, A>G. VCF-style: chr20-58854329-A-G. GRCh37 (hg19) VCF-style: chr20-57429384-A-G.
Other names: c.877A>G, p.Arg293Gly (NM_001077490.3, NM_001309883.1); c.1064A>G, p.Glu355Gly (NM_001410913.1); c.*42+13443A>G (NM_016592.5); c.43+13443A>G (NM_001410912.1); c.-39+12454A>G (NM_001309861.2); short protein forms E355G, R293G.
Identifiers: ClinVar variation 3046512 (VCV003046512.2), dbSNP rs759616508, ClinGen allele CA9926617.

ClinVar aggregate classification (germline): Likely benign (0 of 4 stars; one submission).

Conditions:
GNAS-related disorder. Identifiers: MedGen CN380105.

Allele frequency attached by ClinVar (database versions not stated): gnomAD 0.00004; ExAC 0.00034; gnomAD exomes 0.00008.
gnomAD v4.1: 122 of 1,592,946 alleles (0.0077%); highest among the groups gnomAD compares: South Asian, 0.14%; 3 homozygotes.

Submission:

PreventionGenetics, part of Exact Sciences
Classification: Likely benign for GNAS-related condition. Last evaluated: 2023-03-01. Review status: no assertion criteria provided. Collection method: clinical testing. Allele origin: germline.
Comment: This variant is classified as likely benign based on ACMG/AMP sequence variant interpretation guidelines (Richards et al. 2015 PMID: 25741868, with internal and published modifications).